The following is an entry in ClinVar:

ClinVar aggregate classification (germline): Benign/Likely benign. Review status: criteria provided, multiple submitters, no conflicts (2 of 4 stars). 3 submissions from 3 submitters: Benign (1); Likely benign (2). Last evaluated 2026-01-28.

Allele frequency attached by ClinVar (database versions not stated): gnomAD exomes 0.00322; ExAC 0.00404; ESP Exome Variant Server 0.01177; gnomAD 0.01246 and 0.01333; TOPMed 0.01410; 1000 Genomes Project 0.01418; 1000 Genomes Project 30x 0.01546.
gnomAD v4.1: 3,755 of 1,586,602 alleles (0.24%); highest among the groups gnomAD compares: African/African-American, 4.5%; 83 homozygotes.

Submissions (3):

Labcorp Genetics (formerly Invitae), Labcorp
Classification: Benign. Last evaluated: 2026-01-28. Review status: criteria provided, single submitter. Criteria: Invitae Variant Classification Sherloc (09022015). Collection method: clinical testing. Allele origin: germline.

GeneDx
Classification: Likely benign. Last evaluated: 2023-12-13. Review status: criteria provided, single submitter. Criteria: GeneDx Variant Classification Process June 2021. Collection method: clinical testing. Allele origin: germline. Affected: yes.
Comment: See Variant Classification Assertion Criteria.

Breakthrough Genomics
Classification: Likely benign. Review status: criteria provided, single submitter. Criteria: ACMG Guidelines, 2015. Collection method: not provided. Allele origin: germline. Inheritance: Autosomal dominant inheritance. Affected: yes.

NM_015570.4(AUTS2):c.3690C>G (p.Arg1230=)

Gene: AUTS2 (activator of transcription and developmental regulator AUTS2; plus strand). Cytogenetic location: 7q11.22.
Variant type: single nucleotide variant.
Coding change: c.3690C>G on transcript NM_015570.4 (MANE Select); coding-DNA position 3690, C replaced by G.
Protein change: p.Arg1230=; no amino-acid change (arginine 1230 retained).
Molecular consequence: synonymous variant.
Genome position (GRCh38, 1-based): chr7:70,790,906, C>G. VCF-style: chr7-70790906-C-G. GRCh37 (hg19) VCF-style: chr7-70255892-C-G.
Other names: c.3618C>G, p.Arg1206= (NM_001127231.3).
Identifiers: ClinVar variation 697431 (VCV000697431.16), dbSNP rs61732289, ClinGen allele CA4281406.